The following is an entry in ClinVar:

NM_000257.4(MYH7):c.4379A>G (p.Tyr1460Cys)

Genes: MHRT (myosin heavy chain associated RNA transcript; plus strand), MYH7 (myosin heavy chain 7; minus strand). Cytogenetic location: 14q11.2.
Variant type: single nucleotide variant.
Coding change: c.4379A>G on transcript NM_000257.4 (MANE Select); coding-DNA position 4379, A replaced by G.
Protein change: p.Tyr1460Cys; replaces tyrosine 1460 with cysteine.
Molecular consequence: missense variant. On other transcripts: non-coding transcript variant (1).
Genome position (GRCh38, 1-based): chr14:23,417,293, T>C on the plus strand (A>G on the coding strand, the complement: MYH7 is on the minus strand). VCF-style: chr14-23417293-T-C. GRCh37 (hg19) VCF-style: chr14-23886502-T-C.
Other names: c.4379A>G, p.Tyr1460Cys (NM_001407004.1); short protein forms Y1460C.
Identifiers: ClinVar variation 2893873 (VCV002893873.4), dbSNP rs2502250330, ClinGen allele CA389038796.

ClinVar aggregate classification (germline): Uncertain significance. Review status: criteria provided, multiple submitters, no conflicts (2 of 4 stars). 2 submissions from 2 submitters: Uncertain significance (2). Last evaluated 2024-11-04.

Conditions:
Hypertrophic cardiomyopathy. Also called: HYPERTROPHIC MYOCARDIOPATHY. Identifiers: Orphanet 217569, MedGen C0007194, MeSH D002312, MONDO:0005045, HP:0001639.

Allele frequency attached by ClinVar (database versions not stated): gnomAD exomes below 0.00001.

Submissions (2):

GeneDx
Classification: Uncertain significance. Last evaluated: 2024-11-04. Review status: criteria provided, single submitter. Criteria: GeneDx Variant Classification Process June 2021. Collection method: clinical testing. Allele origin: germline. Affected: yes.
Comment: Not observed at significant frequency in large population cohorts (gnomAD); In silico analysis supports that this missense variant has a deleterious effect on protein structure/function; Has not been previously published as pathogenic or benign to our knowledge

Labcorp Genetics (formerly Invitae), Labcorp
Classification: Uncertain significance for Hypertrophic cardiomyopathy. Last evaluated: 2022-12-25. Review status: criteria provided, single submitter. Criteria: Invitae Variant Classification Sherloc (09022015). Collection method: clinical testing. Allele origin: germline.
Comment: In summary, the available evidence is currently insufficient to determine the role of this variant in disease. Therefore, it has been classified as a Variant of Uncertain Significance. Advanced modeling of protein sequence and biophysical properties (such as structural, functional, and spatial information, amino acid conservation, physicochemical variation, residue mobility, and thermodynamic stability) has been performed at Invitae for this missense variant, however the output from this modeling did not meet the statistical confidence thresholds required to predict the impact of this variant on MYH7 protein function. This variant has not been reported in the literature in individuals affected with MYH7-related conditions. This variant is not present in population databases (gnomAD no frequency). This sequence change replaces tyrosine, which is neutral and polar, with cysteine, which is neutral and slightly polar, at codon 1460 of the MYH7 protein (p.Tyr1460Cys).